The following is an entry in ClinVar:

ClinVar aggregate classification (germline): Uncertain significance. Review status: criteria provided, multiple submitters, no conflicts (2 of 4 stars). 2 submissions from 2 submitters: Uncertain significance (2). Last evaluated 2024-12-10.

Conditions:
Townes syndrome (TBS). Also called: Townes-Brocks syndrome. Identifiers: Orphanet 857, MedGen C0265246, MeSH C536974, MONDO:0007142.

gnomAD v4.1: 48 of 1,614,044 alleles (0.003%); highest among the groups gnomAD compares: Non-Finnish European, 0.0041%; no homozygotes.

Submissions (2):

GeneDx
Classification: Uncertain significance. Last evaluated: 2024-12-10. Review status: criteria provided, single submitter. Criteria: GeneDx Variant Classification Process June 2021. Collection method: clinical testing. Allele origin: germline. Affected: yes.
Comment: In silico analysis indicates that this missense variant does not alter protein structure/function; Has not been previously published as pathogenic or benign to our knowledge

Labcorp Genetics (formerly Invitae), Labcorp
Classification: Uncertain significance for Townes syndrome. Last evaluated: 2024-02-25. Review status: criteria provided, single submitter. Criteria: Invitae Variant Classification Sherloc (09022015). Collection method: clinical testing. Allele origin: germline.
Comment: This sequence change replaces serine, which is neutral and polar, with proline, which is neutral and non-polar, at codon 974 of the SALL1 protein (p.Ser974Pro). This variant is present in population databases (rs144429956, gnomAD 0.004%). This variant has not been reported in the literature in individuals affected with SALL1-related conditions. Advanced modeling of protein sequence and biophysical properties (such as structural, functional, and spatial information, amino acid conservation, physicochemical variation, residue mobility, and thermodynamic stability) performed at Invitae indicates that this missense variant is not expected to disrupt SALL1 protein function with a negative predictive value of 80%. In summary, the available evidence is currently insufficient to determine the role of this variant in disease. Therefore, it has been classified as a Variant of Uncertain Significance.

NM_002968.3(SALL1):c.2920T>C (p.Ser974Pro)

Gene: SALL1 (spalt like transcription factor 1; minus strand). Cytogenetic location: 16q12.1.
Variant type: single nucleotide variant.
Coding change: c.2920T>C on transcript NM_002968.3 (MANE Select); coding-DNA position 2920, T replaced by C.
Protein change: p.Ser974Pro; replaces serine 974 with proline.
Molecular consequence: missense variant.
Genome position (GRCh38, 1-based): chr16:51,139,302, A>G on the plus strand (T>C on the coding strand, the complement: SALL1 is on the minus strand). VCF-style: chr16-51139302-A-G. GRCh37 (hg19) VCF-style: chr16-51173213-A-G.
Other names: c.2629T>C, p.Ser877Pro (NM_001127892.2); short protein forms S877P, S974P.
Identifiers: ClinVar variation 3730256 (VCV003730256.3).